The following is an entry in ClinVar:

ClinVar aggregate classification (germline): Uncertain significance (1 of 4 stars; one submission).

gnomAD v4.1: 10 of 1,585,668 alleles (0.00063%); highest among the groups gnomAD compares: Non-Finnish European, 0.00077%; no homozygotes.

Submission:

Labcorp Genetics (formerly Invitae), Labcorp
Classification: Uncertain significance. Last evaluated: 2022-11-22. Review status: criteria provided, single submitter. Criteria: Invitae Variant Classification Sherloc (09022015). Collection method: clinical testing. Allele origin: germline.
Comment: Algorithms developed to predict the effect of missense changes on protein structure and function are either unavailable or do not agree on the potential impact of this missense change (SIFT: "Deleterious"; PolyPhen-2: "Probably Damaging"; Align-GVGD: "Class C0"). In summary, the available evidence is currently insufficient to determine the role of this variant in disease. Therefore, it has been classified as a Variant of Uncertain Significance. This variant has not been reported in the literature in individuals affected with FSCN2-related conditions. This variant is not present in population databases (gnomAD no frequency). This sequence change replaces arginine, which is basic and polar, with leucine, which is neutral and non-polar, at codon 149 of the FSCN2 protein (p.Arg149Leu).

NM_012418.4(FSCN2):c.446G>T (p.Arg149Leu)

Gene: FSCN2 (fascin actin-bundling protein 2, retinal; plus strand). Cytogenetic location: 17q25.3.
Variant type: single nucleotide variant.
Coding change: c.446G>T on transcript NM_012418.4 (MANE Select); coding-DNA position 446, G replaced by T.
Protein change: p.Arg149Leu; replaces arginine 149 with leucine.
Molecular consequence: missense variant.
Genome position (GRCh38, 1-based): chr17:81,528,977, G>T. VCF-style: chr17-81528977-G-T. GRCh37 (hg19) VCF-style: chr17-79496003-G-T.
Other names: c.446G>T, p.Arg149Leu (NM_001077182.3); short protein forms R149L.
Identifiers: ClinVar variation 2109059 (VCV002109059.4), dbSNP rs181961770, ClinGen allele CA401471073.